The following is an entry in ClinVar:

ClinVar aggregate classification (germline): Uncertain significance. Review status: criteria provided, multiple submitters, no conflicts (2 of 4 stars). 4 submissions from 4 submitters: Uncertain significance (4). Last evaluated 2025-08-06.

Conditions:
Neuroblastoma, susceptibility to, 3. Also called: ALK-Related Neuroblastic Tumor Susceptibility. Identifiers: Orphanet 635, MedGen C2751681, MONDO:0013083, OMIM 613014.
Hereditary cancer-predisposing syndrome. Also called: Neoplastic Syndromes, Hereditary; Hereditary Cancer Syndrome; Hereditary neoplastic syndrome; Tumor predisposition. Identifiers: Orphanet 140162, MedGen C0027672, MeSH D009386, MONDO:0015356.

Allele frequency attached by ClinVar (database versions not stated): gnomAD exomes 0.00001.
gnomAD v4.1: 12 of 1,613,520 alleles (0.00074%); highest among the groups gnomAD compares: Non-Finnish European, 0.001%; no homozygotes.

Submissions (4):

Labcorp Genetics (formerly Invitae), Labcorp
Classification: Uncertain significance for Neuroblastoma, susceptibility to, 3. Last evaluated: 2025-08-06. Review status: criteria provided, single submitter. Criteria: Invitae Variant Classification Sherloc (09022015). Collection method: clinical testing. Allele origin: germline.
Comment: This sequence change replaces leucine, which is neutral and non-polar, with phenylalanine, which is neutral and non-polar, at codon 1044 of the ALK protein (p.Leu1044Phe). This variant is not present in population databases (gnomAD no frequency). This variant has not been reported in the literature in individuals affected with ALK-related conditions. ClinVar contains an entry for this variant (Variation ID: 644322). An algorithm developed to predict the effect of missense changes on protein structure and function (PolyPhen-2) suggests that this variant is likely to be disruptive. In summary, the available evidence is currently insufficient to determine the role of this variant in disease. Therefore, it has been classified as a Variant of Uncertain Significance.

St. Jude Molecular Pathology, St. Jude Children's Research Hospital
Classification: Uncertain significance for Neuroblastoma, susceptibility to, 3. Last evaluated: 2025-01-25. Review status: criteria provided, single submitter. Criteria: St. Jude Assertion Criteria 2020. Collection method: clinical testing. Allele origin: germline.
Comment: The ALK c.3130C>T p.(Leu1044Phe) missense change is absent in gnomAD v2.1.1. The in silico tool REVEL is inconclusive about a pathogenic or benign effect of this variant on protein function, and to our knowledge functional studies have not been performed. To our knowledge, this variant has not been reported in the literature in individuals with ALK-related neuroblastic tumor susceptibility. In summary, the evidence currently available is insufficient to determine the clinical significance of this variant. It has therefore been classified as of uncertain significance.

Ambry Genetics
Classification: Uncertain significance for Hereditary cancer-predisposing syndrome. Last evaluated: 2024-05-16. Review status: criteria provided, single submitter. Criteria: Ambry Variant Classification Scheme 2023. Collection method: clinical testing. Allele origin: germline.
Comment: The p.L1044F variant (also known as c.3130C>T), located in coding exon 19 of the ALK gene, results from a C to T substitution at nucleotide position 3130. The leucine at codon 1044 is replaced by phenylalanine, an amino acid with highly similar properties. This amino acid position is conserved. In addition, this alteration is predicted to be tolerated by in silico analysis. Since supporting evidence is limited at this time, the clinical significance of this alteration remains unclear.

Baylor Genetics
Classification: Uncertain significance for Neuroblastoma, susceptibility to, 3. Last evaluated: 2024-03-14. Review status: criteria provided, single submitter. Criteria: ACMG Guidelines, 2015. Collection method: clinical testing. Allele origin: unknown.

NM_004304.5(ALK):c.3130C>T (p.Leu1044Phe)

Gene: ALK (ALK receptor tyrosine kinase; minus strand). Cytogenetic location: 2p23.2.
Variant type: single nucleotide variant.
Coding change: c.3130C>T on transcript NM_004304.5 (MANE Select); coding-DNA position 3130, C replaced by T.
Protein change: p.Leu1044Phe; replaces leucine 1044 with phenylalanine.
Molecular consequence: missense variant.
Genome position (GRCh38, 1-based): chr2:29,225,503, G>A on the plus strand (C>T on the coding strand, the complement: ALK is on the minus strand). VCF-style: chr2-29225503-G-A. GRCh37 (hg19) VCF-style: chr2-29448369-G-A.
Other names: short protein forms L1044F.
Identifiers: ClinVar variation 644322 (VCV000644322.15), dbSNP rs1573128815, ClinGen allele CA346466881.
Genomic context (GRCh38, chr2:29,225,503, plus strand): 5'-GGGGCTCTGTGCACTCACCAATCATGATGCCGGAGAAAGCCAGGACCAGGGCGGCCACGA[G>A]GGCAGAGGTCACCACAGAGAGGATCAGCGAGAGTGGCAGGTGTGGCTCCGGGGTGGGTGA-3'
Protein context (NP_004295.2, residues 1034-1054): SLILSVVTSA[Leu1044Phe]VAALVLAFSG